The following is an entry in ClinVar:

ClinVar aggregate classification (germline): Uncertain significance (1 of 4 stars; one submission).

Allele frequency attached by ClinVar (database versions not stated): gnomAD 0.00001; TOPMed 0.00001.
gnomAD v4.1: 3 of 1,612,744 alleles (0.00019%); highest among the groups gnomAD compares: Non-Finnish European, 0.00025%; no homozygotes.

Submission:

Labcorp Genetics (formerly Invitae), Labcorp
Classification: Uncertain significance. Last evaluated: 2022-02-04. Review status: criteria provided, single submitter. Criteria: Invitae Variant Classification Sherloc (09022015). Collection method: clinical testing. Allele origin: germline.
Comment: In summary, the available evidence is currently insufficient to determine the role of this variant in disease. Therefore, it has been classified as a Variant of Uncertain Significance. Algorithms developed to predict the effect of missense changes on protein structure and function are either unavailable or do not agree on the potential impact of this missense change (SIFT: "Deleterious"; PolyPhen-2: "Benign"; Align-GVGD: "Class C0"). ClinVar contains an entry for this variant (Variation ID: 935478). This variant has not been reported in the literature in individuals affected with RGS9-related conditions. This variant is not present in population databases (gnomAD no frequency). This sequence change replaces lysine, which is basic and polar, with isoleucine, which is neutral and non-polar, at codon 539 of the RGS9 protein (p.Lys539Ile).

NM_003835.4(RGS9):c.1616A>T (p.Lys539Ile)

Gene: RGS9 (regulator of G protein signaling 9; plus strand). Cytogenetic location: 17q24.1.
Variant type: single nucleotide variant.
Coding change: c.1616A>T on transcript NM_003835.4 (MANE Select); coding-DNA position 1616, A replaced by T.
Protein change: p.Lys539Ile; replaces lysine 539 with isoleucine.
Molecular consequence: missense variant.
Genome position (GRCh38, 1-based): chr17:65,225,210, A>T. VCF-style: chr17-65225210-A-T. GRCh37 (hg19) VCF-style: chr17-63221328-A-T.
Other names: c.1607A>T, p.Lys536Ile (NM_001081955.3); short protein forms K539I, K536I.
Identifiers: ClinVar variation 935478 (VCV000935478.9), dbSNP rs776944678, ClinGen allele CA400673635.